The following is an entry in ClinVar:

ClinVar aggregate classification (germline): Benign (1 of 4 stars; one submission).

Conditions:
Succinate-semialdehyde dehydrogenase deficiency (SSADHD). Also called: Succinic Semialdehyde Dehydrogenase Deficiency; 4-HYDROXYBUTYRIC ACIDURIA; GABA METABOLIC DEFECT; SSADH DEFICIENCY. Identifiers: Orphanet 22, MedGen C0268631, MONDO:0010083, OMIM 271980.

Allele frequency attached by ClinVar (database versions not stated): 1000 Genomes Project 0.01777; TOPMed 0.02357; gnomAD 0.03284 and 0.03364.

Submission:

Illumina Laboratory Services, Illumina
Classification: Benign for Succinate-semialdehyde dehydrogenase deficiency. Last evaluated: 2018-01-12. Review status: criteria provided, single submitter. Criteria: ICSL Variant Classification Criteria 13 December 2019. Collection method: clinical testing. Allele origin: germline.
Comment: This variant was observed in the ICSL laboratory as part of a predisposition screen in an ostensibly healthy population. It had not been previously curated by ICSL or reported in the Human Gene Mutation Database (HGMD: prior to June 1st, 2018), and was therefore a candidate for classification through an automated scoring system. Utilizing variant allele frequency, disease prevalence and penetrance estimates, and inheritance mode, an automated score was calculated to assess if this variant is too frequent to cause the disease. Based on the score and internal cut-off values, a variant classified as benign is not then subjected to further curation. The score for this variant resulted in a classification of benign for this disease.

NM_001080.3(ALDH5A1):c.*2581T>C

Gene: ALDH5A1 (aldehyde dehydrogenase 5 family member A1; plus strand). Cytogenetic location: 6p22.3.
Variant type: single nucleotide variant.
Coding change: c.*2581T>C on transcript NM_001080.3 (MANE Select); 2581 bases downstream of the stop codon, T replaced by C.
Molecular consequence: 3 prime UTR variant.
Genome position (GRCh38, 1-based): chr6:24,536,293, T>C. VCF-style: chr6-24536293-T-C. GRCh37 (hg19) VCF-style: chr6-24536521-T-C.
Other names: c.*2581T>C (NM_001368954.1, NM_170740.1).
Identifiers: ClinVar variation 356183 (VCV000356183.5), dbSNP rs41271789, ClinGen allele CA10623542.